The following is an entry in ClinVar:

ClinVar aggregate classification (germline): Benign (0 of 4 stars; one submission).

Conditions:
ULK4-related disorder. Also called: ULK4-related condition.

Allele frequency attached by ClinVar (database versions not stated): gnomAD exomes 0.02076; ExAC 0.03222; gnomAD 0.04691; ESP Exome Variant Server 0.04925; TOPMed 0.05141; 1000 Genomes Project 30x 0.05856; 1000 Genomes Project 0.05931.
gnomAD v4.1: 38,025 of 1,613,866 alleles (2.4%); highest among the groups gnomAD compares: African/African-American, 12%; 981 homozygotes.

Submission:

PreventionGenetics, part of Exact Sciences
Classification: Benign for ULK4-related condition. Last evaluated: 2019-04-24. Review status: no assertion criteria provided. Collection method: clinical testing. Allele origin: germline.
Comment: This variant is classified as benign based on ACMG/AMP sequence variant interpretation guidelines (Richards et al. 2015 PMID: 25741868, with internal and published modifications).

NM_017886.4(ULK4):c.1056T>C (p.Gly352=)

Gene: ULK4 (unc-51 like kinase 4; minus strand). Cytogenetic location: 3p22.1.
Variant type: single nucleotide variant.
Coding change: c.1056T>C on transcript NM_017886.4 (MANE Select); coding-DNA position 1056, T replaced by C.
Protein change: p.Gly352=; no amino-acid change (glycine 352 retained).
Molecular consequence: synonymous variant.
Genome position (GRCh38, 1-based): chr3:41,911,346, A>G on the plus strand (T>C on the coding strand, the complement: ULK4 is on the minus strand). VCF-style: chr3-41911346-A-G. GRCh37 (hg19) VCF-style: chr3-41952838-A-G.
Other names: c.1056T>C, p.Gly352= (NM_001322500.2); c.150T>C, p.Gly50= (NM_001322501.2).
Identifiers: ClinVar variation 3055633 (VCV003055633.2), dbSNP rs9877875, ClinGen allele CA2332477.